The following is an entry in ClinVar:

ClinVar aggregate classification (germline): Uncertain significance. Review status: criteria provided, multiple submitters, no conflicts (2 of 4 stars). 3 submissions from 3 submitters: Uncertain significance (3). Last evaluated 2025-11-13.

Allele frequency attached by ClinVar (database versions not stated): ExAC 0.00002; gnomAD 0.00002 and 0.00003; gnomAD exomes 0.00003 and 0.00005; TOPMed 0.00003; ESP Exome Variant Server 0.00008.

Submissions (3):

Labcorp Genetics (formerly Invitae), Labcorp
Classification: Uncertain significance. Last evaluated: 2025-11-13. Review status: criteria provided, single submitter. Criteria: Invitae Variant Classification Sherloc (09022015). Collection method: clinical testing. Allele origin: germline.
Comment: This sequence change replaces glutamic acid, which is acidic and polar, with lysine, which is basic and polar, at codon 239 of the PSMB4 protein (p.Glu239Lys). This variant is present in population databases (rs144890599, gnomAD 0.03%). This variant has not been reported in the literature in individuals affected with PSMB4-related conditions. ClinVar contains an entry for this variant (Variation ID: 1471258). An algorithm developed to predict the effect of missense changes on protein structure and function (PolyPhen-2) suggests that this variant is likely to be tolerated. In summary, the available evidence is currently insufficient to determine the role of this variant in disease. Therefore, it has been classified as a Variant of Uncertain Significance.

Women's Health and Genetics/Laboratory Corporation of America, LabCorp
Classification: Uncertain significance. Last evaluated: 2024-12-26. Review status: criteria provided, single submitter. Criteria: LabCorp Variant Classification Summary - May 2015. Collection method: clinical testing. Allele origin: germline.
Comment: Variant summary: PSMB4 c.715G>A (p.Glu239Lys) results in a conservative amino acid change located in the proteasome_beta_type_4 (IPR016295) of the encoded protein sequence. Four of five in-silico tools predict a benign effect of the variant on protein function. The variant allele was found at a frequency of 5.2e-05 in 251484 control chromosomes. This frequency is not significantly higher than estimated for a pathogenic variant in PSMB4 causing Proteasome-associated autoinflammatory syndrome 3 (5.2e-05 vs 0.0011), allowing no conclusion about variant significance. To our knowledge, no occurrence of c.715G>A in individuals affected with Proteasome-associated autoinflammatory syndrome 3 and no experimental evidence demonstrating its impact on protein function have been reported. ClinVar contains an entry for this variant (Variation ID: 1471258). Based on the evidence outlined above, the variant was classified as uncertain significance.

Ambry Genetics
Classification: Uncertain significance. Last evaluated: 2023-07-25. Review status: criteria provided, single submitter. Criteria: Ambry Variant Classification Scheme 2023. Collection method: clinical testing. Allele origin: germline.

NM_002796.3(PSMB4):c.715G>A (p.Glu239Lys)

Gene: PSMB4 (proteasome 20S subunit beta 4; plus strand). Cytogenetic location: 1q21.3.
Variant type: single nucleotide variant.
Coding change: c.715G>A on transcript NM_002796.3 (MANE Select); coding-DNA position 715, G replaced by A.
Protein change: p.Glu239Lys; replaces glutamic acid 239 with lysine.
Molecular consequence: missense variant.
Genome position (GRCh38, 1-based): chr1:151,401,563, G>A. VCF-style: chr1-151401563-G-A. GRCh37 (hg19) VCF-style: chr1-151374039-G-A.
Other names: c.715G>A (NM_002796.2); short protein forms E239K.
Identifiers: ClinVar variation 1471258 (VCV001471258.11), dbSNP rs144890599, ClinGen allele CA1090780.
Genomic context (GRCh38, chr1:151,401,563, plus strand): 5'-TAAGGCGTGGGCATTATTGAATGCTCTGCTTTCTTCCAGTTTCAAATCGCCACTGTCACC[G>A]AAAAAGGTGTTGAAATAGAGGGACCATTGTCTACAGAGACCAACTGGGATATTGCCCACA-3'
Protein context (NP_002787.2, residues 229-249): YNRFQIATVT[Glu239Lys]KGVEIEGPLS